The following is an entry in ClinVar:

NM_152564.5(VPS13B):c.9573A>G (p.Ala3191=)

Gene: VPS13B (vacuolar protein sorting 13 homolog B; plus strand). Cytogenetic location: 8q22.2.
Variant type: single nucleotide variant.
Coding change: c.9573A>G on transcript NM_152564.5 (MANE Select); coding-DNA position 9573, A replaced by G.
Protein change: p.Ala3191=; no amino-acid change (alanine 3191 retained).
Molecular consequence: synonymous variant.
Genome position (GRCh38, 1-based): chr8:99,832,611, A>G. VCF-style: chr8-99832611-A-G. GRCh37 (hg19) VCF-style: chr8-100844839-A-G.
Other names: c.9648A>G, p.Ala3216= (NM_017890.5); c.9573A>G (NM_152564.4).
Identifiers: ClinVar variation 751866 (VCV000751866.13), dbSNP rs189680814, ClinGen allele CA4824728.

ClinVar aggregate classification (germline): Likely benign. Review status: criteria provided, multiple submitters, no conflicts (2 of 4 stars). 3 submissions from 3 submitters: Likely benign (2). 1 of the submissions does not count toward it. Last evaluated 2026-03-04.

Conditions:
Cohen syndrome (COH1). Also called: Cutis verticis gyrata, retinitis pigmentosa, and sensorineural deafness; PEPPER SYNDROME. Identifiers: Orphanet 193, MedGen C0265223, MONDO:0008999, OMIM 216550.
VPS13B-related disorder. Also called: VPS13B-related condition.

Allele frequency attached by ClinVar (database versions not stated): TOPMed 0.00001; gnomAD 0.00002 and 0.00003; ExAC 0.00007; gnomAD exomes 0.00010; 1000 Genomes Project 30x 0.00016; 1000 Genomes Project 0.00020.
gnomAD v4.1: 33 of 1,613,940 alleles (0.002%); highest among the groups gnomAD compares: East Asian, 0.065%; no homozygotes.

Submissions (3):

PreventionGenetics, part of Exact Sciences
Classification: Likely benign for VPS13B-related condition. Last evaluated: 2026-03-04. Review status: criteria provided, single submitter. Criteria: ACMG Guidelines, 2015. Collection method: clinical testing. Allele origin: germline.
Comment: This variant is classified as likely benign based on ACMG/AMP sequence variant interpretation guidelines (Richards et al. 2015 PMID: 25741868, with internal and published modifications).

Labcorp Genetics (formerly Invitae), Labcorp
Classification: Likely benign for Cohen syndrome. Last evaluated: 2025-09-10. Review status: criteria provided, single submitter. Criteria: Invitae Variant Classification Sherloc (09022015). Collection method: clinical testing. Allele origin: germline.

Natera, Inc.
Classification: Uncertain significance for Cohen syndrome. Last evaluated: 2020-02-13. Review status: no assertion criteria provided. Collection method: clinical testing. Allele origin: germline. Not counted in ClinVar's aggregate classification.